The following is an entry in ClinVar:

NM_001040108.2(MLH3):c.4180G>A (p.Ala1394Thr)

Gene: MLH3 (mutL homolog 3; minus strand). Cytogenetic location: 14q24.3.
Variant type: single nucleotide variant.
Coding change: c.4180G>A on transcript NM_001040108.2 (MANE Select); coding-DNA position 4180, G replaced by A.
Protein change: p.Ala1394Thr; replaces alanine 1394 with threonine.
Molecular consequence: missense variant.
Genome position (GRCh38, 1-based): chr14:75,018,891, C>T on the plus strand (G>A on the coding strand, the complement: MLH3 is on the minus strand). VCF-style: chr14-75018891-C-T. GRCh37 (hg19) VCF-style: chr14-75485594-C-T.
Other names: c.4108G>A, p.Ala1370Thr (NM_014381.3); short protein forms A1394T, A1370T.
Identifiers: ClinVar variation 161297 (VCV000161297.26), dbSNP rs138006166, ClinGen allele CA211658.

ClinVar aggregate classification (germline): Uncertain significance. Review status: criteria provided, multiple submitters, no conflicts (2 of 4 stars). 5 submissions from 5 submitters: Uncertain significance (4). 1 of the submissions does not count toward it. Last evaluated 2026-01-31.

Conditions:
MLH3-related disorder. Also called: MLH3-related condition.
Colorectal cancer, non-polyposis.
Colorectal cancer, hereditary nonpolyposis, type 7. Identifiers: Orphanet 144, MedGen C1858380, MONDO:0013725, OMIM 614385.

Allele frequency attached by ClinVar (database versions not stated): TOPMed 0.00017; gnomAD 0.00019 and 0.00021; ExAC 0.00020; gnomAD exomes 0.00020 and 0.00033; ESP Exome Variant Server 0.00062.
gnomAD v4.1: 503 of 1,614,032 alleles (0.031%); highest among the groups gnomAD compares: Non-Finnish European, 0.041%; no homozygotes.

Submissions (5):

Labcorp Genetics (formerly Invitae), Labcorp
Classification: Uncertain significance for Colorectal cancer, hereditary nonpolyposis, type 7. Last evaluated: 2026-01-31. Review status: criteria provided, single submitter. Criteria: Invitae Variant Classification Sherloc (09022015). Collection method: clinical testing. Allele origin: germline.
Comment: This sequence change replaces alanine, which is neutral and non-polar, with threonine, which is neutral and polar, at codon 1394 of the MLH3 protein (p.Ala1394Thr). This variant is present in population databases (rs138006166, gnomAD 0.04%), and has an allele count higher than expected for a pathogenic variant. This missense change has been observed in individual(s) with clinical features of Lynch syndrome and/or colorectal cancer (PMID: 11586295, 19156873, 29212164). ClinVar contains an entry for this variant (Variation ID: 161297). An algorithm developed to predict the effect of missense changes on protein structure and function (PolyPhen-2) suggests that this variant is likely to be disruptive. Experimental studies have shown that this missense change does not substantially affect MLH3 function (PMID: 18521850). In summary, the available evidence is currently insufficient to determine the role of this variant in disease. Therefore, it has been classified as a Variant of Uncertain Significance.

Center for Genomic Medicine, Rigshospitalet, Copenhagen University Hospital
Classification: Uncertain significance. Last evaluated: 2025-12-29. Review status: criteria provided, single submitter. Criteria: ACMG Guidelines, 2015. Collection method: clinical testing. Allele origin: germline.

Ambry Genetics
Classification: Uncertain significance. Last evaluated: 2025-08-22. Review status: criteria provided, single submitter. Criteria: Ambry Variant Classification Scheme 2023. Collection method: clinical testing. Allele origin: germline.
Comment: The p.A1394T variant (also known as c.4180G>A), located in coding exon 11 of the MLH3 gene, results from a G to A substitution at nucleotide position 4180. The alanine at codon 1394 is replaced by threonine, an amino acid with similar properties. This alteration has been observed in individuals whose colon tumors demonstrated microsatellite stability and normal expression on immunohistochemistry (IHC) (Wu Y et al. Nat. Genet., 2001 Oct;29:137-8; Raskin L et al. Oncotarget, 2017 Nov;8:93450-93463). This alteration has also not been observed in a cohort of colorectal cancer patients (Hienonen T et al. Int. J. Cancer, 2003 Aug;106:292-6). Functional assays demonstrated similar MMR activity and expression for p.A1394T compared to wild-type MLH3 (Korhonen MK et al. Genes Chromosomes Cancer, 2008 Sep;47:803-9). This amino acid position is highly conserved in available vertebrate species. In addition, this alteration is predicted to be deleterious by in silico analysis. The evidence for this gene-disease relationship is limited; therefore, the clinical significance of this alteration is unclear.

PreventionGenetics, part of Exact Sciences
Classification: Uncertain significance for MLH3-related condition. Last evaluated: 2025-07-14. Review status: criteria provided, single submitter. Criteria: ACMG Guidelines, 2015. Collection method: clinical testing. Allele origin: germline.
Comment: The MLH3 c.4180G>A variant is predicted to result in the amino acid substitution p.Ala1394Thr. This variant has been identified in a family that met the Amsterdam clinical criteria for hereditary nonpolyposis colorectal cancer (HNPCC) (Wu et al. 2001. PubMed ID: 11586295), and individuals with colorectal cancer (Raskin et al. 2017. PubMed ID: 29212164; Ou et al. 2009. PubMed ID: 19156873). Functional studies indicate that this variant does not disrupt MLH3 protein function compared to wildtype (Korhonen et al. 2008. PubMed ID: 18521850). This variant is reported in 0.039% of alleles in individuals of European (Non-Finnish) descent in gnomAD, and is interpreted as uncertain in ClinVar. At this time, the clinical significance of this variant is uncertain due to the absence of conclusive functional and genetic evidence.

CSER _CC_NCGL, University of Washington
Classification: Uncertain significance for Colorectal cancer, non-polyposis. Last evaluated: 2014-06-01. Review status: no assertion criteria provided. Collection method: research. Allele origin: germline. Inheritance: Autosomal dominant inheritance. Study: ESP 6500 variant annotation. Not counted in ClinVar's aggregate classification.
Comment: Variants classified for the Actionable exomic incidental findings in 6503 participants: challenges of variant classification manuscript

Literature cited by the submitters: PubMed 11586295 (cited by Labcorp Genetics (formerly Invitae), Labcorp and Ambry Genetics); PubMed 19156873 (cited by Labcorp Genetics (formerly Invitae), Labcorp); PubMed 29212164 (cited by 3 submitters); PubMed 18521850 (cited by 3 submitters); PubMed 12800209 (cited by Ambry Genetics).